The following is an entry in ClinVar:

ClinVar aggregate classification (germline): Uncertain significance (1 of 4 stars; one submission).

Conditions:
Hereditary cancer-predisposing syndrome. Also called: Hereditary Cancer Syndrome; Neoplastic Syndromes, Hereditary; Tumor predisposition; Hereditary neoplastic syndrome. Identifiers: Orphanet 140162, MedGen C0027672, MeSH D009386, MONDO:0015356.

Submission:

Ambry Genetics
Classification: Uncertain significance for Hereditary cancer-predisposing syndrome. Last evaluated: 2024-11-07. Review status: criteria provided, single submitter. Criteria: Ambry Variant Classification Scheme 2023. Collection method: clinical testing. Allele origin: germline.
Comment: The c.51A>G variant (also known as p.R17R), located in coding exon 1 of the SDHD gene, results from an A to G substitution at nucleotide position 51. This nucleotide substitution does not change the arginine at codon 17. This nucleotide position is highly conserved in available vertebrate species. In silico splice site analysis predicts that this alteration may weaken the native splice donor site; however, direct evidence is insufficient at this time (Ambry internal data). Based on the available evidence, the clinical significance of this variant remains unclear.

NM_003002.4(SDHD):c.51A>G (p.Arg17=)

Genes: SDHD (succinate dehydrogenase complex subunit D; plus strand), LOC126861339 (BRD4-independent group 4 enhancer GRCh37_chr11:111957035-111958234; plus strand). Cytogenetic location: 11q23.1.
Variant type: single nucleotide variant.
Coding change: c.51A>G on transcript NM_003002.4 (MANE Select); coding-DNA position 51, A replaced by G.
Protein change: p.Arg17=; no amino-acid change (arginine 17 retained).
Molecular consequence: synonymous variant. On other transcripts: non-coding transcript variant (1).
Genome position (GRCh38, 1-based): chr11:112,086,958, A>G. VCF-style: chr11-112086958-A-G. GRCh37 (hg19) VCF-style: chr11-111957682-A-G.
Other names: c.51A>G, p.Arg17= (NM_001276503.2, NM_001276504.2, NM_001276506.2).
Identifiers: ClinVar variation 1746005 (VCV001746005.3), dbSNP rs199890548, ClinGen allele CA476789226.